The following is an entry in ClinVar:

NM_001377.3(DYNC2H1):c.7492A>G (p.Ile2498Val)

Gene: DYNC2H1 (dynein cytoplasmic 2 heavy chain 1; plus strand). Cytogenetic location: 11q22.3.
Variant type: single nucleotide variant.
Coding change: c.7492A>G on transcript NM_001377.3 (MANE Select); coding-DNA position 7492, A replaced by G.
Protein change: p.Ile2498Val; replaces isoleucine 2498 with valine.
Molecular consequence: missense variant.
Genome position (GRCh38, 1-based): chr11:103,191,571, A>G. VCF-style: chr11-103191571-A-G. GRCh37 (hg19) VCF-style: chr11-103062300-A-G.
Other names: c.7492A>G, p.Ile2498Val (NM_001080463.2); short protein forms I2498V.
Identifiers: ClinVar variation 950114 (VCV000950114.8), dbSNP rs200034783, ClinGen allele CA6254246.

ClinVar aggregate classification (germline): Uncertain significance. Review status: criteria provided, multiple submitters, no conflicts (2 of 4 stars). 3 submissions from 3 submitters: Uncertain significance (3). Last evaluated 2022-05-10.

Conditions:
Inborn genetic diseases. Identifiers: MedGen C0950123, MeSH D030342.
Asphyxiating thoracic dystrophy 3. Also called: SHORT-RIB THORACIC DYSPLASIA 3/6 WITH POLYDACTYLY, DIGENIC; POLYDACTYLY WITH NEONATAL CHONDRODYSTROPHY, TYPE I; Short rib polydactyly syndrome 2B; SHORT-RIB THORACIC DYSPLASIA 3 WITH OR WITHOUT POLYDACTYLY; Saldino-Noonan Syndrome. Identifiers: Orphanet 474, Orphanet 93269, Orphanet 93270, Orphanet 93271, MedGen C0036069, MONDO:0013127, OMIM 613091.
Jeune thoracic dystrophy. Also called: Short-rib thoracic dysplasia; Jeune syndrome; Infantile thoracic dystrophy; Thoracic pelvic phalangeal dystrophy; Jeune's syndrome; Chondroectodermal dysplasia-like syndrome. Identifiers: Orphanet 474, MedGen C0265275, MONDO:0018770.

Allele frequency attached by ClinVar (database versions not stated): gnomAD 0.00005 and 0.00006; ExAC 0.00006; gnomAD exomes 0.00006; TOPMed 0.00007.
gnomAD v4.1: 96 of 1,610,498 alleles (0.006%); highest among the groups gnomAD compares: Middle Eastern, 0.033%; 1 homozygote.

Submissions (3):

Revvity Omics, Revvity
Classification: Uncertain significance for Asphyxiating thoracic dystrophy 3. Last evaluated: 2022-05-10. Review status: criteria provided, single submitter. Criteria: ACMG Guidelines, 2015. Collection method: clinical testing. Allele origin: germline.

Labcorp Genetics (formerly Invitae), Labcorp
Classification: Uncertain significance for Jeune thoracic dystrophy. Last evaluated: 2021-10-20. Review status: criteria provided, single submitter. Criteria: Invitae Variant Classification Sherloc (09022015). Collection method: clinical testing. Allele origin: germline.
Comment: This sequence change replaces isoleucine with valine at codon 2498 of the DYNC2H1 protein (p.Ile2498Val). The isoleucine residue is highly conserved and there is a small physicochemical difference between isoleucine and valine. This variant is present in population databases (rs200034783, ExAC 0.009%). This variant has not been reported in the literature in individuals affected with DYNC2H1-related conditions. Algorithms developed to predict the effect of missense changes on protein structure and function output the following: SIFT: "Tolerated"; PolyPhen-2: "Benign"; Align-GVGD: "Class C0". The valine amino acid residue is found in multiple mammalian species, which suggests that this missense change does not adversely affect protein function. In summary, the available evidence is currently insufficient to determine the role of this variant in disease. Therefore, it has been classified as a Variant of Uncertain Significance.

Ambry Genetics
Classification: Uncertain significance for Inborn genetic diseases. Last evaluated: 2021-08-13. Review status: criteria provided, single submitter. Criteria: Ambry Variant Classification Scheme 2023. Collection method: clinical testing. Allele origin: germline.